The following is an entry in ClinVar:

NM_001854.4(COL11A1):c.3292C>T (p.Gln1098Ter)

Gene: COL11A1 (collagen type XI alpha 1 chain; minus strand). Cytogenetic location: 1p21.1.
Variant type: single nucleotide variant.
Coding change: c.3292C>T on transcript NM_001854.4 (MANE Select); coding-DNA position 3292, C replaced by T.
Protein change: p.Gln1098Ter; replaces glutamine 1098 with a stop codon.
Molecular consequence: nonsense. On other transcripts: non-coding transcript variant (1).
Genome position (GRCh38, 1-based): chr1:102,940,419, G>A on the plus strand (C>T on the coding strand, the complement: COL11A1 is on the minus strand). VCF-style: chr1-102940419-G-A. GRCh37 (hg19) VCF-style: chr1-103405975-G-A.
Other names: c.3175C>T, p.Gln1059Ter (NM_001190709.2); c.3328C>T, p.Gln1110Ter (NM_080629.3); c.2944C>T, p.Gln982Ter (NM_080630.4); short protein forms Q982*, Q1110*, Q1059*, Q1098*.
Identifiers: ClinVar variation 1453428 (VCV001453428.6), dbSNP rs2101305801, ClinGen allele CA341170031.

ClinVar aggregate classification (germline): Pathogenic (1 of 4 stars; one submission).

Submission:

Labcorp Genetics (formerly Invitae), Labcorp
Classification: Pathogenic. Last evaluated: 2022-09-08. Review status: criteria provided, single submitter. Criteria: Invitae Variant Classification Sherloc (09022015). Collection method: clinical testing. Allele origin: germline.
Comment: This variant has not been reported in the literature in individuals affected with COL11A1-related conditions. For these reasons, this variant has been classified as Pathogenic. ClinVar contains an entry for this variant (Variation ID: 1453428). This variant is not present in population databases (gnomAD no frequency). This sequence change creates a premature translational stop signal (p.Gln1098*) in the COL11A1 gene. It is expected to result in an absent or disrupted protein product. Loss-of-function variants in COL11A1 are known to be pathogenic (PMID: 20513134, 21035103, 23922384, 25240749, 32427345, 32756486).

Literature cited by the submitters: PubMed 20513134; PubMed 21035103; PubMed 23922384; PubMed 25240749; PubMed 32427345; PubMed 32756486.